The following is an entry in ClinVar:

NM_000136.3(FANCC):c.285T>A (p.Cys95Ter)

Gene: FANCC (FA complementation group C; minus strand). Cytogenetic location: 9q22.32.
Variant type: single nucleotide variant.
Coding change: c.285T>A on transcript NM_000136.3 (MANE Select); coding-DNA position 285, T replaced by A.
Protein change: p.Cys95Ter; replaces cysteine 95 with a stop codon.
Molecular consequence: nonsense.
Genome position (GRCh38, 1-based): chr9:95,240,709, A>T on the plus strand (T>A on the coding strand, the complement: FANCC is on the minus strand). VCF-style: chr9-95240709-A-T. GRCh37 (hg19) VCF-style: chr9-98002991-A-T.
Other names: c.285T>A, p.Cys95Ter (NM_001243743.2, NM_001243744.2); short protein forms C95*.
Identifiers: ClinVar variation 2848142 (VCV002848142.3), dbSNP rs2542756107, ClinGen allele CA374339394.

ClinVar aggregate classification (germline): Pathogenic (1 of 4 stars; one submission).

Conditions:
Fanconi anemia (FA). Also called: Fanconi's anemia. Identifiers: Orphanet 84, MedGen C0015625, MeSH D005199, MONDO:0019391.

Submission:

Labcorp Genetics (formerly Invitae), Labcorp
Classification: Pathogenic for Fanconi anemia. Last evaluated: 2023-03-21. Review status: criteria provided, single submitter. Criteria: Invitae Variant Classification Sherloc (09022015). Collection method: clinical testing. Allele origin: germline.
Comment: For these reasons, this variant has been classified as Pathogenic. This variant has not been reported in the literature in individuals affected with FANCC-related conditions. This variant is not present in population databases (gnomAD no frequency). This sequence change creates a premature translational stop signal (p.Cys95*) in the FANCC gene. It is expected to result in an absent or disrupted protein product. Loss-of-function variants in FANCC are known to be pathogenic (PMID: 17924555).

Literature cited by the submitters: PubMed 17924555.